The following is an entry in ClinVar:

NM_002693.3(POLG):c.1838A>G (p.His613Arg)

Gene: POLG (DNA polymerase gamma, catalytic subunit; minus strand). Cytogenetic location: 15q26.1.
Variant type: single nucleotide variant.
Coding change: c.1838A>G on transcript NM_002693.3 (MANE Select); coding-DNA position 1838, A replaced by G.
Protein change: p.His613Arg; replaces histidine 613 with arginine.
Molecular consequence: missense variant.
Genome position (GRCh38, 1-based): chr15:89,325,561, T>C on the plus strand (A>G on the coding strand, the complement: POLG is on the minus strand). VCF-style: chr15-89325561-T-C. GRCh37 (hg19) VCF-style: chr15-89868792-T-C.
Other names: c.1838A>G, p.His613Arg (NM_001126131.2); short protein forms H613R.
Identifiers: ClinVar variation 2183602 (VCV002183602.1), dbSNP rs2509248877, ClinGen allele CA393759259.

ClinVar aggregate classification (germline): Uncertain significance (1 of 4 stars; one submission).

Conditions:
Progressive sclerosing poliodystrophy (MTDPS4A). Also called: Mitochondrial DNA depletion syndrome 4A (Alpers type); ALPERS PROGRESSIVE INFANTILE POLIODYSTROPHY; NEURONAL DEGENERATION OF CHILDHOOD WITH LIVER DISEASE, PROGRESSIVE; Alpers Syndrome; ALPERS DIFFUSE DEGENERATION OF CEREBRAL GRAY MATTER WITH HEPATIC CIRRHOSIS; Alpers-Huttenlocher Syndrome. Identifiers: Orphanet 726, MedGen C0205710, MONDO:0008758, OMIM 203700.

gnomAD v4.1: 21 of 1,613,698 alleles (0.0013%); highest among the groups gnomAD compares: Non-Finnish European, 0.0016%; no homozygotes.

Submission:

Labcorp Genetics (formerly Invitae), Labcorp
Classification: Uncertain significance for Progressive sclerosing poliodystrophy. Last evaluated: 2022-03-19. Review status: criteria provided, single submitter. Criteria: Invitae Variant Classification Sherloc (09022015). Collection method: clinical testing. Allele origin: germline.
Comment: This sequence change replaces histidine, which is basic and polar, with arginine, which is basic and polar, at codon 613 of the POLG protein (p.His613Arg). This variant is not present in population databases (gnomAD no frequency). This variant has not been reported in the literature in individuals affected with POLG-related conditions. Algorithms developed to predict the effect of missense changes on protein structure and function are either unavailable or do not agree on the potential impact of this missense change (SIFT: "Tolerated"; PolyPhen-2: "Probably Damaging"; Align-GVGD: "Class C0"). In summary, the available evidence is currently insufficient to determine the role of this variant in disease. Therefore, it has been classified as a Variant of Uncertain Significance.